The following is an entry in ClinVar:

ClinVar aggregate classification (germline): Uncertain significance. Review status: criteria provided, multiple submitters, no conflicts (2 of 4 stars). 2 submissions from 2 submitters: Uncertain significance (2). Last evaluated 2024-03-05.

Conditions:
Wilson disease (WND). Also called: Wilson's disease. Identifiers: Orphanet 905, MedGen C0019202, MONDO:0010200, OMIM 277900. Disease mechanism: loss of function.

Allele frequency attached by ClinVar (database versions not stated): gnomAD exomes below 0.00001.
gnomAD v4.1: 2 of 1,614,220 alleles (0.00012%); highest among the groups gnomAD compares: Non-Finnish European, 0.00017%; no homozygotes.

Submissions (2):

Fulgent Genetics
Classification: Uncertain significance for Wilson disease. Last evaluated: 2024-03-05. Review status: criteria provided, single submitter. Criteria: ACMG Guidelines, 2015. Collection method: clinical testing. Allele origin: germline.

Women's Health and Genetics/Laboratory Corporation of America, LabCorp
Classification: Uncertain significance. Last evaluated: 2023-07-18. Review status: criteria provided, single submitter. Criteria: LabCorp Variant Classification Summary - May 2015. Collection method: clinical testing. Allele origin: germline.
Comment: Variant summary: ATP7B c.199A>G (p.Met67Val) results in a conservative amino acid change located in the Heavy metal-associated domain (IPR006121) of the encoded protein sequence. Three of five in-silico tools predict a damaging effect of the variant on protein function. The variant was absent in 249248 control chromosomes. The available data on variant occurrences in the general population are insufficient to allow any conclusion about variant significance. c.199A>G has been reported in the literature in at least one heterozygous individual affected with Wilson Disease without a second reported variant (e.g. Mukherjee_2014). These report(s) do not provide unequivocal conclusions about association of the variant with Wilson Disease. To our knowledge, no experimental evidence demonstrating an impact on protein function has been reported. The following publication has been ascertained in the context of this evaluation (PMID: 24094725). No submitters have cited clinical-significance assessments for this variant to ClinVar after 2014. Based on the evidence outlined above, the variant was classified as uncertain significance.

Literature cited by the submitters: PubMed 24094725 (cited by Women's Health and Genetics/Laboratory Corporation of America, LabCorp).

NM_000053.4(ATP7B):c.199A>G (p.Met67Val)

Gene: ATP7B (ATPase copper transporting beta; minus strand). Cytogenetic location: 13q14.3.
Variant type: single nucleotide variant.
Coding change: c.199A>G on transcript NM_000053.4 (MANE Select); coding-DNA position 199, A replaced by G.
Protein change: p.Met67Val; replaces methionine 67 with valine.
Molecular consequence: missense variant.
Genome position (GRCh38, 1-based): chr13:51,975,021, T>C on the plus strand (A>G on the coding strand, the complement: ATP7B is on the minus strand). VCF-style: chr13-51975021-T-C. GRCh37 (hg19) VCF-style: chr13-52549157-T-C.
Other names: c.199A>G, p.Met67Val (NM_001005918.3, NM_001243182.2, NM_001330578.2 and 30 more transcripts); c.103A>G, p.Met35Val (NM_001406530.1, NM_001406536.1, NM_001406539.1 and 4 more transcripts); short protein forms M35V, M67V.
Identifiers: ClinVar variation 2577298 (VCV002577298.2), dbSNP rs2547825222, ClinGen allele CA388045030.
Genomic context (GRCh38, chr13:51,975,021, plus strand): 5'-TGATGCCTTTCAAATTGGAAATCCTGTCCTCAATGGACTTCACACATGACTGGCAAGTCA[T>C]GCCCAAGATCCTGACTGTGCTGGTGGCCACCTGAGAAGAAGGGCCCAGGCCATCCAGACC-3'
Protein context (NP_000044.2, residues 57-77): VATSTVRILG[Met67Val]TCQSCVKSIE